The following is an entry in ClinVar:

NM_001277115.2(DNAH11):c.10691+2T>C

Gene: DNAH11 (dynein axonemal heavy chain 11; plus strand). Cytogenetic location: 7p15.3.
Variant type: single nucleotide variant.
Coding change: c.10691+2T>C on transcript NM_001277115.2 (MANE Select); the canonical splice donor site of the intron after coding-DNA position 10691, T replaced by C.
Molecular consequence: splice donor variant.
Genome position (GRCh38, 1-based): chr7:21,818,341, T>C. VCF-style: chr7-21818341-T-C. GRCh37 (hg19) VCF-style: chr7-21857959-T-C.
Identifiers: ClinVar variation 265100 (VCV000265100.16), dbSNP rs886039341, ClinGen allele CA10588423.
Genomic context (GRCh38, chr7:21,818,341, plus strand): 5'-GAAACGATAGATCCAGTCCTGGATCCACTACTTGGCAGGAACACAATTAAAAAAGGAAAG[T>C]AAGTATTCTTGAATTTTTAACATATATATCTTGCTAAATGATTTTCAGCAGCAGCATCTC-3'

ClinVar aggregate classification (germline): Conflicting classifications of pathogenicity. Review status: criteria provided, conflicting classifications (1 of 4 stars). 4 submissions from 4 submitters: Pathogenic (3); Uncertain significance (1). Last evaluated 2025-07-16.

Conditions:
Primary ciliary dyskinesia 7. Also called: CILIARY DYSKINESIA, PRIMARY, 7, WITH OR WITHOUT SITUS INVERSUS. Identifiers: Orphanet 244, MedGen C2678473, MONDO:0012748, OMIM 611884.
Primary ciliary dyskinesia. Also called: Ciliary dyskinesia. Identifiers: Orphanet 244, MedGen C0008780, MONDO:0016575, HP:0012265.

Allele frequency attached by ClinVar (database versions not stated): gnomAD 0.00001; gnomAD exomes 0.00001 and 0.00002; TOPMed 0.00003.
gnomAD v4.1: 16 of 1,606,132 alleles (0.001%); highest among the groups gnomAD compares: Non-Finnish European, 0.00025%; no homozygotes.

Submissions (4):

3billion
Classification: Pathogenic for Primary ciliary dyskinesia 7. Last evaluated: 2025-07-16. Review status: criteria provided, single submitter. Criteria: ACMG Guidelines, 2015. Collection method: clinical testing. Allele origin: germline. Affected: yes.
Comment: The variant is observed at an extremely low frequency in the gnomAD v4.1.0 dataset (total allele frequency: <0.001%). Predicted Consequence/Location: Canonical splice site: predicted to alter splicing and result in a loss or disruption of normal protein function. Multiple pathogenic loss-of-function variants are reported downstream of the variant. In silico tools predict the variant to alter splicing and produce an abnormal transcript [SpliceAI: 0.35 (spliceogenicity >=0.2, non-spliceogenicity <0.1)]. The variant has been reported at least twice as pathogenic without evidence for the classification (ClinVar ID: VCV000265100 /PMID: 26633542). Therefore, this variant is classified as Pathogenic according to the recommendation of ACMG/AMP guideline.

Labcorp Genetics (formerly Invitae), Labcorp
Classification: Pathogenic for Primary ciliary dyskinesia. Last evaluated: 2024-06-05. Review status: criteria provided, single submitter. Criteria: Invitae Variant Classification Sherloc (09022015). Collection method: clinical testing. Allele origin: germline.
Comment: This sequence change affects donor splice site in intron 65 of the DNAH11 gene. RNA analysis indicates that disruption of this splice site induces altered splicing and may result in an absent or disrupted protein product. This variant is present in population databases (no rsID available, gnomAD 0.04%). Disruption of this splice site has been observed in individual(s) with primary ciliary dyskinesia (PMID: 33608380). ClinVar contains an entry for this variant (Variation ID: 265100). Studies have shown that disruption of this splice site results in activation of cryptic splice sites and introduces a premature termination codon (PMID: 33608380). The resulting mRNA is expected to undergo nonsense-mediated decay. For these reasons, this variant has been classified as Pathogenic.

Center for Genomics, Ann and Robert H. Lurie Children's Hospital of Chicago
Classification: Pathogenic for Primary ciliary dyskinesia 7. Last evaluated: 2020-02-27. Review status: criteria provided, single submitter. Criteria: ACMG Guidelines, 2015. Collection method: clinical testing. Allele origin: unknown. Inheritance: Autosomal recessive inheritance. Affected: yes.

GeneDx
Classification: Uncertain significance. Last evaluated: 2019-04-30. Review status: criteria provided, single submitter. Criteria: GeneDx Variant Classification Process June 2021. Collection method: clinical testing. Allele origin: germline. Affected: yes.
Comment: Canonical splice site variant predicted to result in an in-frame deletion of exon(s) [3523-3564]; This variant is associated with the following publications: (PMID: 26633542)

Literature cited by the submitters: PubMed 26633542 (cited by 3billion); PubMed 33608380 (cited by Labcorp Genetics (formerly Invitae), Labcorp).